The following is an entry in ClinVar:

NM_001165963.4(SCN1A):c.1170+4A>G

Gene: SCN1A (sodium voltage-gated channel alpha subunit 1; minus strand). Cytogenetic location: 2q24.3.
Variant type: single nucleotide variant.
Coding change: c.1170+4A>G on transcript NM_001165963.4 (MANE Select); 4 bases into the intron after coding-DNA position 1170, A replaced by G.
Molecular consequence: intron variant.
Genome position (GRCh38, 1-based): chr2:166,047,623, T>C on the plus strand (A>G on the coding strand, the complement: SCN1A is on the minus strand). VCF-style: chr2-166047623-T-C. GRCh37 (hg19) VCF-style: chr2-166904133-T-C.
Other names: c.1170+4A>G (NM_001353949.2, NM_001353958.2, NM_001353950.2 and 10 more transcripts); c.-1256+4A>G (NM_001353961.2).
Identifiers: ClinVar variation 994746 (VCV000994746.1), dbSNP rs1697995660, ClinGen allele CA1139655671.
Genomic context (GRCh38, chr2:166,047,623, plus strand): 5'-ATAACTCAATTGGTTTTCTTGTATACTTTTACTTAAATGGAGAGTGTGGCTCTTTAGTTC[T>C]CACCAGTTGATAAAGATTTTCCCAGAAGTCCTGAGTCATTAGTCGAAACAAGGACAAAAA-3'

ClinVar aggregate classification (germline): Likely pathogenic (1 of 4 stars; one submission).

Submission:

Athena Diagnostics
Classification: Likely pathogenic. Last evaluated: 2020-07-23. Review status: criteria provided, single submitter. Criteria: Athena Diagnostics Criteria. Collection method: clinical testing. Allele origin: unknown.
Comment: Not found in the total gnomAD dataset, and the data is high quality. Splicing predictions are inconclusive. Low nucleotide conservation.